The following is an entry in ClinVar:

NM_001195263.2(PDZD7):c.385G>T (p.Val129Leu)

Gene: PDZD7 (PDZ domain containing 7; minus strand). Cytogenetic location: 10q24.31.
Variant type: single nucleotide variant.
Coding change: c.385G>T on transcript NM_001195263.2 (MANE Select); coding-DNA position 385, G replaced by T.
Protein change: p.Val129Leu; replaces valine 129 with leucine.
Molecular consequence: missense variant.
Genome position (GRCh38, 1-based): chr10:101,023,593, C>A on the plus strand (G>T on the coding strand, the complement: PDZD7 is on the minus strand). VCF-style: chr10-101023593-C-A. GRCh37 (hg19) VCF-style: chr10-102783350-C-A.
Other names: c.385G>T, p.Val129Leu (NM_001351044.2, NM_024895.5); c.385G>T (NM_001195263.1); short protein forms V129L.
Identifiers: ClinVar variation 2178299 (VCV002178299.5), dbSNP rs757413778, ClinGen allele CA378230793.

ClinVar aggregate classification (germline): Uncertain significance. Review status: criteria provided, multiple submitters, no conflicts (2 of 4 stars). 2 submissions from 2 submitters: Uncertain significance (2). Last evaluated 2023-05-24.

gnomAD v4.1: 5 of 1,612,782 alleles (0.00031%); highest among the groups gnomAD compares: South Asian, 0.0044%; no homozygotes.

Submissions (2):

GeneDx
Classification: Uncertain significance. Last evaluated: 2023-05-24. Review status: criteria provided, single submitter. Criteria: GeneDx Variant Classification Process June 2021. Collection method: clinical testing. Allele origin: germline. Affected: yes.
Comment: Not observed at significant frequency in large population cohorts (gnomAD); In silico analysis supports that this missense variant has a deleterious effect on protein structure/function; Has not been previously published as pathogenic or benign to our knowledge

Labcorp Genetics (formerly Invitae), Labcorp
Classification: Uncertain significance. Last evaluated: 2022-05-30. Review status: criteria provided, single submitter. Criteria: Invitae Variant Classification Sherloc (09022015). Collection method: clinical testing. Allele origin: germline.
Comment: This variant has not been reported in the literature in individuals affected with PDZD7-related conditions. Algorithms developed to predict the effect of missense changes on protein structure and function are either unavailable or do not agree on the potential impact of this missense change (SIFT: "Deleterious"; PolyPhen-2: "Not Available"; Align-GVGD: "Class C25"). In summary, the available evidence is currently insufficient to determine the role of this variant in disease. Therefore, it has been classified as a Variant of Uncertain Significance. This variant is present in population databases (no rsID available, gnomAD 0.003%). This sequence change replaces valine, which is neutral and non-polar, with leucine, which is neutral and non-polar, at codon 129 of the PDZD7 protein (p.Val129Leu).